The following is an entry in ClinVar:

ClinVar aggregate classification (germline): Uncertain significance. Review status: criteria provided, multiple submitters, no conflicts (2 of 4 stars). 2 submissions from 2 submitters: Uncertain significance (2). Last evaluated 2025-02-05.

Conditions:
Inborn genetic diseases. Identifiers: MedGen C0950123, MeSH D030342.

Submissions (2):

Ambry Genetics
Classification: Uncertain significance for Inborn genetic diseases. Last evaluated: 2025-02-05. Review status: criteria provided, single submitter. Criteria: Ambry Variant Classification Scheme 2023. Collection method: clinical testing. Allele origin: germline.

GeneDx
Classification: Uncertain significance. Last evaluated: 2024-12-27. Review status: criteria provided, single submitter. Criteria: GeneDx Variant Classification Process June 2021. Collection method: clinical testing. Allele origin: germline. Affected: yes.
Comment: Not observed at significant frequency in large population cohorts (gnomAD); In silico analysis indicates that this missense variant does not alter protein structure/function; Has not been previously published as pathogenic or benign to our knowledge

NM_002473.6(MYH9):c.4117A>G (p.Met1373Val)

Gene: MYH9 (myosin heavy chain 9; minus strand). Cytogenetic location: 22q12.3.
Variant type: single nucleotide variant.
Coding change: c.4117A>G on transcript NM_002473.6 (MANE Select); coding-DNA position 4117, A replaced by G.
Protein change: p.Met1373Val; replaces methionine 1373 with valine.
Molecular consequence: missense variant.
Genome position (GRCh38, 1-based): chr22:36,292,213, T>C on the plus strand (A>G on the coding strand, the complement: MYH9 is on the minus strand). VCF-style: chr22-36292213-T-C. GRCh37 (hg19) VCF-style: chr22-36688259-T-C.
Other names: short protein forms M1373V.
Identifiers: ClinVar variation 3876543 (VCV003876543.2).